The following is an entry in ClinVar:

ClinVar aggregate classification (germline): Uncertain significance (1 of 4 stars; one submission).

Conditions:
Deficiency of alpha-mannosidase (MANSA). Also called: LYSOSOMAL ALPHA-D-MANNOSIDASE DEFICIENCY; Alpha-Mannosidosis; Mannosidosis, alpha-, types I and II. Identifiers: Orphanet 61, MedGen C0024748, MONDO:0009561, OMIM 248500.

Allele frequency attached by ClinVar (database versions not stated): gnomAD exomes 0.00001; TOPMed 0.00001; gnomAD 0.00003.

Submission:

Labcorp Genetics (formerly Invitae), Labcorp
Classification: Uncertain significance for Deficiency of alpha-mannosidase. Last evaluated: 2022-02-13. Review status: criteria provided, single submitter. Criteria: Invitae Variant Classification Sherloc (09022015). Collection method: clinical testing. Allele origin: germline.
Comment: This sequence change replaces histidine, which is basic and polar, with arginine, which is basic and polar, at codon 94 of the MAN2B1 protein (p.His94Arg). This variant is present in population databases (no rsID available, gnomAD 0.002%). This variant has not been reported in the literature in individuals affected with MAN2B1-related conditions. Algorithms developed to predict the effect of missense changes on protein structure and function output the following: SIFT: "Tolerated"; PolyPhen-2: "Benign"; Align-GVGD: "Class C0". The arginine amino acid residue is found in multiple mammalian species, which suggests that this missense change does not adversely affect protein function. In summary, the available evidence is currently insufficient to determine the role of this variant in disease. Therefore, it has been classified as a Variant of Uncertain Significance.

NM_000528.4(MAN2B1):c.281A>G (p.His94Arg)

Gene: MAN2B1 (mannosidase alpha class 2B member 1; minus strand). Cytogenetic location: 19p13.13.
Variant type: single nucleotide variant.
Coding change: c.281A>G on transcript NM_000528.4 (MANE Select); coding-DNA position 281, A replaced by G.
Protein change: p.His94Arg; replaces histidine 94 with arginine.
Molecular consequence: missense variant.
Genome position (GRCh38, 1-based): chr19:12,665,507, T>C on the plus strand (A>G on the coding strand, the complement: MAN2B1 is on the minus strand). VCF-style: chr19-12665507-T-C. GRCh37 (hg19) VCF-style: chr19-12776321-T-C.
Other names: c.281A>G, p.His94Arg (NM_001173498.2); short protein forms H94R.
Identifiers: ClinVar variation 2150130 (VCV002150130.1), dbSNP rs950555211, ClinGen allele CA305478925.